The following is an entry in ClinVar:

NM_000218.3(KCNQ1):c.509A>G (p.Glu170Gly)

Gene: KCNQ1 (potassium voltage-gated channel subfamily Q member 1; plus strand). Cytogenetic location: 11p15.5.
Variant type: single nucleotide variant.
Coding change: c.509A>G on transcript NM_000218.3 (MANE Select); coding-DNA position 509, A replaced by G.
Protein change: p.Glu170Gly; replaces glutamic acid 170 with glycine.
Molecular consequence: missense variant.
Genome position (GRCh38, 1-based): chr11:2,570,659, A>G. VCF-style: chr11-2570659-A-G. GRCh37 (hg19) VCF-style: chr11-2591889-A-G.
Other names: c.509A>G, p.Glu170Gly (NM_001406836.1); c.239A>G, p.Glu80Gly (NM_001406837.1); c.128A>G, p.Glu43Gly (NM_181798.2); short protein forms E170G, E43G, E80G.
Identifiers: ClinVar variation 2136955 (VCV002136955.4), dbSNP rs2493667514, ClinGen allele CA379129851.

ClinVar aggregate classification (germline): Uncertain significance (1 of 4 stars; one submission).

Conditions:
Long QT syndrome (LQTS). Identifiers: MedGen C0023976, MeSH D008133, MONDO:0002442. Disease mechanism: loss of function. Inheritance: Various modes of inheritance.

Submission:

Labcorp Genetics (formerly Invitae), Labcorp
Classification: Uncertain significance for Long QT syndrome. Last evaluated: 2022-01-11. Review status: criteria provided, single submitter. Criteria: Invitae Variant Classification Sherloc (09022015). Collection method: clinical testing. Allele origin: germline.
Comment: Algorithms developed to predict the effect of missense changes on protein structure and function (SIFT, PolyPhen-2, Align-GVGD) all suggest that this variant is likely to be disruptive. This missense change has been observed in individual(s) with long QT syndrome (PMID: 23098067). This variant is not present in population databases (gnomAD no frequency). This sequence change replaces glutamic acid, which is acidic and polar, with glycine, which is neutral and non-polar, at codon 170 of the KCNQ1 protein (p.Glu170Gly). Algorithms developed to predict the effect of sequence changes on RNA splicing suggest that this variant may create or strengthen a splice site. In summary, the available evidence is currently insufficient to determine the role of this variant in disease. Therefore, it has been classified as a Variant of Uncertain Significance.

Literature cited by the submitters: PubMed 23098067.